The following is an entry in ClinVar:

NM_183374.3(CYP26C1):c.1238_1260del (p.Asp413fs)

Gene: CYP26C1 (cytochrome P450 family 26 subfamily C member 1; plus strand). Cytogenetic location: 10q23.33.
Variant type: Deletion.
Coding change: c.1238_1260del on transcript NM_183374.3 (MANE Select); coding-DNA positions 1238 to 1260, 23 bases deleted (ACACGCACGAGACGGCTGCGGTG).
Protein change: p.Asp413fs; shifts the reading frame from aspartic acid 413.
Molecular consequence: frameshift variant.
Genome position (GRCh38, 1-based): chr10:93,068,366-93,068,388, ACACGCACGAGACGGCTGCGGTG deleted; deleting any 23 consecutive bases within chr10:93,068,365-93,068,388 gives the same sequence; the c. name uses the placement nearest the transcript's 3' end. VCF-style (leftmost placement, unchanged base first): chr10-93068364-GGACACGCACGAGACGGCTGCGGT-G. GRCh37 (hg19) VCF-style: chr10-94828121-GGACACGCACGAGACGGCTGCGGT-G.
Other names: p.Asp413Valfs*172; short protein forms D413fs.
Identifiers: ClinVar variation 4685469 (VCV004685469.1).

ClinVar aggregate classification (germline): Likely pathogenic (1 of 4 stars; one submission).

Conditions:
Focal facial dermal dysplasia type IV. Also called: Focal facial dermal dysplasia 4. Identifiers: Orphanet 398166, Orphanet 398189, MedGen C3554246, MONDO:0013997, OMIM 614974.

Submission:

Department of Molecular Genetics, Istishari Arab Hospital
Classification: Likely pathogenic for Focal facial dermal dysplasia type IV. Last evaluated: 2026-01-14. Review status: criteria provided, single submitter. Criteria: ACMG Guidelines, 2015. Collection method: clinical testing. Allele origin: germline. Inheritance: Autosomal recessive inheritance. Affected: yes.
Comment: The CYP26C1 variant c.1238_1260del, p.Asp413Valfs*172 creates a shift in the reading frame at position 413, introducing a premature stop codon 172 amino acids downstream. This is predicted to result in a loss or disruption of normal protein function through nonsense-mediated decay (NMD) or protein truncation. This variant was not observed in the gnomAD v4.1.0 dataset and has not been previously described in the literature. It is classified as likely pathogenic according to the recommendations of ACMG/AMP/ClinGen SVI guidelines.